The following is an entry in ClinVar:

ClinVar aggregate classification (germline): Benign (0 of 4 stars; one submission).

Conditions:
GNB1L-related disorder. Also called: GNB1L-related condition.

Allele frequency attached by ClinVar (database versions not stated): TOPMed 0.01734; gnomAD 0.02098; ESP Exome Variant Server 0.02131; 1000 Genomes Project 30x 0.03107; ExAC 0.03124; gnomAD exomes 0.03179; 1000 Genomes Project 0.03235.

Submission:

PreventionGenetics, part of Exact Sciences
Classification: Benign for GNB1L-related condition. Last evaluated: 2019-02-19. Review status: no assertion criteria provided. Collection method: clinical testing. Allele origin: germline.
Comment: This variant is classified as benign based on ACMG/AMP sequence variant interpretation guidelines (Richards et al. 2015 PMID: 25741868, with internal and published modifications).

NM_053004.3(GNB1L):c.5C>T (p.Thr2Met)

Gene: GNB1L (G protein subunit beta 1 like; minus strand). Cytogenetic location: 22q11.21.
Variant type: single nucleotide variant.
Coding change: c.5C>T on transcript NM_053004.3 (MANE Select); coding-DNA position 5, C replaced by T.
Protein change: p.Thr2Met; replaces threonine 2 with methionine.
Molecular consequence: missense variant.
Genome position (GRCh38, 1-based): chr22:19,821,351, G>A on the plus strand (C>T on the coding strand, the complement: GNB1L is on the minus strand). VCF-style: chr22-19821351-G-A. GRCh37 (hg19) VCF-style: chr22-19808874-G-A.
Other names: short protein forms T2M.
Identifiers: ClinVar variation 3037370 (VCV003037370.2), dbSNP rs36070348, ClinGen allele CA10103330.